The following is an entry in ClinVar:

ClinVar aggregate classification (germline): Uncertain significance (1 of 4 stars; one submission).

Conditions:
Insulin-dependent diabetes mellitus secretory diarrhea syndrome (IPEX). Also called: X-Linked Autoimmunity-Allergic Dysregulation Syndrome; Immune dysregulation-polyendocrinopathy-enteropathy-X-linked syndrome; IPEX and IPEX-Like; Immunodysregulation, polyendocrinopathy, and enteropathy, X-linked; DIABETES MELLITUS, CONGENITAL INSULIN-DEPENDENT, WITH FATAL SECRETORY DIARRHEA; DIARRHEA, POLYENDOCRINOPATHY, FATAL INFECTION SYNDROME, X-LINKED. Identifiers: Orphanet 37042, MedGen C0342288, MONDO:0010580, OMIM 304790. Disease mechanism: loss of function.

Submission:

Labcorp Genetics (formerly Invitae), Labcorp
Classification: Uncertain significance for Insulin-dependent diabetes mellitus secretory diarrhea syndrome. Last evaluated: 2024-02-28. Review status: criteria provided, single submitter. Criteria: Invitae Variant Classification Sherloc (09022015). Collection method: clinical testing. Allele origin: germline.
Comment: This sequence change falls in intron 2 of the FOXP3 gene. It does not directly change the encoded amino acid sequence of the FOXP3 protein. It affects a nucleotide within the consensus splice site. This variant is not present in population databases (gnomAD no frequency). This variant has not been reported in the literature in individuals affected with FOXP3-related conditions. Variants that disrupt the consensus splice site are a relatively common cause of aberrant splicing (PMID: 17576681, 9536098). Algorithms developed to predict the effect of sequence changes on RNA splicing suggest that this variant may disrupt the consensus splice site. In summary, the available evidence is currently insufficient to determine the role of this variant in disease. Therefore, it has been classified as a Variant of Uncertain Significance.

Literature cited by the submitters: PubMed 17576681; PubMed 9536098.

NM_014009.4(FOXP3):c.210+5G>A

Gene: FOXP3 (forkhead box P3; minus strand). Cytogenetic location: Xp11.23.
Variant type: single nucleotide variant.
Coding change: c.210+5G>A on transcript NM_014009.4 (MANE Select); 5 bases into the intron after coding-DNA position 210, G replaced by A.
Molecular consequence: intron variant.
Genome position (GRCh38, 1-based): chrX:49,258,291, C>T on the plus strand (G>A on the coding strand, the complement: FOXP3 is on the minus strand). VCF-style: chrX-49258291-C-T. GRCh37 (hg19) VCF-style: chrX-49114748-C-T.
Other names: c.210+5G>A (NM_001114377.2).
Identifiers: ClinVar variation 2813536 (VCV002813536.3), dbSNP rs2519196613, ClinGen allele CA2739273522.